The following is an entry in ClinVar:

NM_001032386.2(SUOX):c.247C>A (p.His83Asn)

Gene: SUOX (sulfite oxidase; plus strand). Cytogenetic location: 12q13.2.
Variant type: single nucleotide variant.
Coding change: c.247C>A on transcript NM_001032386.2 (MANE Select); coding-DNA position 247, C replaced by A.
Protein change: p.His83Asn; replaces histidine 83 with asparagine.
Molecular consequence: missense variant.
Genome position (GRCh38, 1-based): chr12:56,003,636, C>A. VCF-style: chr12-56003636-C-A. GRCh37 (hg19) VCF-style: chr12-56397420-C-A.
Other names: c.247C>A, p.His83Asn (NM_000456.3, NM_001032387.2); short protein forms H83N.
Identifiers: ClinVar variation 1432435 (VCV001432435.6), dbSNP rs143692780, ClinGen allele CA6620943.

ClinVar aggregate classification (germline): Uncertain significance (1 of 4 stars; one submission).

Conditions:
Sulfite oxidase deficiency. Also called: Isolated sulfite oxidase deficiency. Identifiers: Orphanet 833, Orphanet 99731, MedGen C0268624, MONDO:0010089, OMIM 272300, HP:0003643.

Allele frequency attached by ClinVar (database versions not stated): gnomAD 0.00004 and 0.00003; ESP Exome Variant Server 0.00023.
gnomAD v4.1: 15 of 1,614,070 alleles (0.00093%); highest among the groups gnomAD compares: Non-Finnish European, 0.0013%; no homozygotes.

Submission:

Labcorp Genetics (formerly Invitae), Labcorp
Classification: Uncertain significance for Sulfite oxidase deficiency. Last evaluated: 2021-09-24. Review status: criteria provided, single submitter. Criteria: Invitae Variant Classification Sherloc (09022015). Collection method: clinical testing. Allele origin: germline.
Comment: This sequence change replaces histidine with asparagine at codon 83 of the SUOX protein (p.His83Asn). The histidine residue is weakly conserved and there is a small physicochemical difference between histidine and asparagine. This variant is present in population databases (rs143692780, ExAC 0.004%). This variant has not been reported in the literature in individuals with SUOX-related conditions. Algorithms developed to predict the effect of missense changes on protein structure and function (SIFT, PolyPhen-2, Align-GVGD) all suggest that this variant is likely to be tolerated, but these predictions have not been confirmed by published functional studies and their clinical significance is uncertain. In summary, the available evidence is currently insufficient to determine the role of this variant in disease. Therefore, it has been classified as a Variant of Uncertain Significance.